The following is an entry in ClinVar:

ClinVar aggregate classification (germline): Uncertain significance (1 of 4 stars; one submission).

Submission:

Labcorp Genetics (formerly Invitae), Labcorp
Classification: Uncertain significance. Last evaluated: 2022-12-22. Review status: criteria provided, single submitter. Criteria: Invitae Variant Classification Sherloc (09022015). Collection method: clinical testing. Allele origin: germline.
Comment: This variant is not present in population databases (gnomAD no frequency). In summary, the available evidence is currently insufficient to determine the role of this variant in disease. Therefore, it has been classified as a Variant of Uncertain Significance. Advanced modeling of protein sequence and biophysical properties (such as structural, functional, and spatial information, amino acid conservation, physicochemical variation, residue mobility, and thermodynamic stability) performed at Invitae indicates that this missense variant is not expected to disrupt LRP5 protein function. This variant has not been reported in the literature in individuals affected with LRP5-related conditions. This sequence change replaces proline, which is neutral and non-polar, with serine, which is neutral and polar, at codon 293 of the LRP5 protein (p.Pro293Ser).

NM_002335.4(LRP5):c.877C>T (p.Pro293Ser)

Gene: LRP5 (LDL receptor related protein 5; plus strand). Cytogenetic location: 11q13.2.
Variant type: single nucleotide variant.
Coding change: c.877C>T on transcript NM_002335.4 (MANE Select); coding-DNA position 877, C replaced by T.
Protein change: p.Pro293Ser; replaces proline 293 with serine.
Molecular consequence: missense variant. On other transcripts: 5 prime UTR variant (1).
Genome position (GRCh38, 1-based): chr11:68,363,937, C>T. VCF-style: chr11-68363937-C-T. GRCh37 (hg19) VCF-style: chr11-68131405-C-T.
Other names: c.-889C>T (NM_001291902.2); short protein forms P293S.
Identifiers: ClinVar variation 2131435 (VCV002131435.4), dbSNP rs2496471168, ClinGen allele CA381611312.